The following is an entry in ClinVar:

ClinVar aggregate classification (germline): Likely benign. Review status: criteria provided, multiple submitters, no conflicts (2 of 4 stars). 2 submissions from 2 submitters: Likely benign (2). Last evaluated 2024-10-15.

Conditions:
TWIST1-related craniosynostosis (CRS1). Also called: CRANIOSYNOSTOSIS 1. Identifiers: Orphanet 63440, MedGen C4551902, MONDO:0007399, OMIM 123100. Inheritance: Heterogenous inheritance pattern.

Allele frequency attached by ClinVar (database versions not stated): gnomAD 0.00009; TOPMed 0.00010.
gnomAD v4.1: 111 of 1,610,716 alleles (0.0069%); highest among the groups gnomAD compares: East Asian, 0.0045%; no homozygotes.

Submissions (2):

Labcorp Genetics (formerly Invitae), Labcorp
Classification: Likely benign for TWIST1-related craniosynostosis. Last evaluated: 2024-10-15. Review status: criteria provided, single submitter. Criteria: Invitae Variant Classification Sherloc (09022015). Collection method: clinical testing. Allele origin: germline.

CeGaT Center for Human Genetics Tuebingen
Classification: Likely benign. Last evaluated: 2023-03-01. Review status: criteria provided, single submitter. Criteria: CeGaT Center For Human Genetics Tuebingen Variant Classification Criteria Version 2. Collection method: clinical testing. Allele origin: germline. Affected: yes. Observed: 1 variant allele.
Comment: ERF: BP4, BP7

NM_006494.4(ERF):c.1263G>C (p.Pro421=)

Gene: ERF (ETS2 repressor factor; minus strand). Cytogenetic location: 19q13.2.
Variant type: single nucleotide variant.
Coding change: c.1263G>C on transcript NM_006494.4 (MANE Select); coding-DNA position 1263, G replaced by C.
Protein change: p.Pro421=; no amino-acid change (proline 421 retained).
Molecular consequence: synonymous variant.
Genome position (GRCh38, 1-based): chr19:42,248,849, C>G on the plus strand (G>C on the coding strand, the complement: ERF is on the minus strand). VCF-style: chr19-42248849-C-G. GRCh37 (hg19) VCF-style: chr19-42753001-C-G.
Other names: c.1038G>C, p.Pro346= (NM_001301035.2, NM_001308402.2, NM_001312656.2).
Identifiers: ClinVar variation 476626 (VCV000476626.36), dbSNP rs750423382, ClinGen allele CA9471204.